The following is an entry in ClinVar:

NM_000051.4(ATM):c.6118G>A (p.Ala2040Thr)

Genes: ATM (ATM serine/threonine kinase; plus strand), C11orf65 (chromosome 11 open reading frame 65; minus strand). Cytogenetic location: 11q22.3.
Variant type: single nucleotide variant.
Coding change: c.6118G>A on transcript NM_000051.4 (MANE Select); coding-DNA position 6118, G replaced by A.
Protein change: p.Ala2040Thr; replaces alanine 2040 with threonine.
Molecular consequence: missense variant. On other transcripts: intron variant (2).
Genome position (GRCh38, 1-based): chr11:108,316,033, G>A. VCF-style: chr11-108316033-G-A. GRCh37 (hg19) VCF-style: chr11-108186760-G-A.
Other names: c.6118G>A, p.Ala2040Thr (NM_001351834.2); c.641-6962C>T (NM_001330368.2); c.*39-6962C>T (NM_001351110.2); short protein forms A2040T.
Identifiers: ClinVar variation 2562581 (VCV002562581.2), dbSNP rs863224576, ClinGen allele CA382550407.
Genomic context (GRCh38, chr11:108,316,033, plus strand): 5'-GTAAAACCCAAAGCTATTTTCACAATCTTTTCTTATAGACTACGAACATATGAACACGAA[G>A]CAATGTGGGGCAAAGCCCTAGTAACATATGACCTCGAAACAGCAATCCCCTCATCAACAC-3'
Protein context (NP_000042.3, residues 2030-2050): ITRLRTYEHE[Ala2040Thr]MWGKALVTYD

ClinVar aggregate classification (germline): Uncertain significance (1 of 4 stars; one submission).

Conditions:
Hereditary cancer-predisposing syndrome. Also called: Hereditary Cancer Syndrome; Hereditary neoplastic syndrome; Neoplastic Syndromes, Hereditary; Tumor predisposition. Identifiers: Orphanet 140162, MedGen C0027672, MeSH D009386, MONDO:0015356.

Allele frequency attached by ClinVar (database versions not stated): gnomAD exomes below 0.00001.
gnomAD v4.1: 1 of 1,614,140 alleles (0.000062%); highest among the groups gnomAD compares: Non-Finnish European, 0.000085%; no homozygotes.

Submission:

Ambry Genetics
Classification: Uncertain significance for Hereditary cancer-predisposing syndrome. Last evaluated: 2023-04-07. Review status: criteria provided, single submitter. Criteria: Ambry Variant Classification Scheme 2023. Collection method: clinical testing. Allele origin: germline.
Comment: The p.A2040T variant (also known as c.6118G>A), located in coding exon 41 of the ATM gene, results from a G to A substitution at nucleotide position 6118. The alanine at codon 2040 is replaced by threonine, an amino acid with similar properties. This amino acid position is conserved. In addition, this alteration is predicted to be tolerated by in silico analysis. Since supporting evidence is limited at this time, the clinical significance of this alteration remains unclear.